The following is an entry in ClinVar:

NM_000321.3(RB1):c.837del (p.Glu280fs)

Gene: RB1 (RB transcriptional corepressor 1; plus strand). Cytogenetic location: 13q14.2.
Variant type: Deletion.
Coding change: c.837del on transcript NM_000321.3 (MANE Select); coding-DNA position 837, one base deleted (A; older notation c.837delA).
Protein change: p.Glu280fs; shifts the reading frame from glutamic acid 280.
Molecular consequence: frameshift variant.
Genome position (GRCh38, 1-based): chr13:48,362,933, A deleted; the last of 3 consecutive A bases (chr13:48,362,931-48,362,933); deleting any one gives the same sequence. VCF-style (leftmost placement, unchanged base first): chr13-48362930-TA-T. GRCh37 (hg19) VCF-style: chr13-48937066-TA-T.
Other names: c.837del, p.Glu280fs (NM_001407165.1, NM_001407166.1); short protein forms E280fs.
Identifiers: ClinVar variation 3236929 (VCV003236929.1), dbSNP rs2542182319.

ClinVar aggregate classification (germline): Pathogenic (1 of 4 stars; one submission).

Conditions:
Retinoblastoma (RB1). Also called: RETINOBLASTOMA, SOMATIC. Identifiers: Orphanet 790, MedGen C0035335, MeSH D012175, MONDO:0008380, OMIM 180200, HP:0009919. Disease mechanism: loss of function. Inheritance: Both sporadic and heritable forms are tested..

Submission:

Genetic Diagnostic Laboratory, University of Pennsylvania School of Medicine
Classification: Pathogenic for Retinoblastoma. Last evaluated: 2024-05-20. Review status: criteria provided, single submitter. Criteria: ACMG Guidelines, 2015. Collection method: clinical testing. Allele origin: germline. Affected: yes. Observed: 1 variant allele.
Comment: Case and Pedigree Information: BILATERAL CASES:1, UNILATERAL CASES:0, TOTAL CASES:1, PEDIGREES:1. ACMG Codes Applied:PVS1, PM2